The following is an entry in ClinVar:

ClinVar aggregate classification (germline): Conflicting classifications of pathogenicity. Review status: criteria provided, conflicting classifications (1 of 4 stars). 6 submissions from 6 submitters: Uncertain significance (4); Likely benign (2). Last evaluated 2026-03-24.

Conditions:
Charcot-Marie-Tooth disease, axonal, Type 2HH. Also called: CHARCOT-MARIE-TOOTH NEUROPATHY, TYPE 2HH. Identifiers: MedGen C5562003, MONDO:0030458, OMIM 619574.
Deafness, congenital heart defects, and posterior embryotoxon (DCHE). Identifiers: MedGen C1866053, MONDO:0060713, OMIM 617992.
Tetralogy of Fallot (TOF). Identifiers: Orphanet 3303, MedGen C0039685, MONDO:0008542, OMIM 187500, HP:0001636.
Alagille syndrome due to a JAG1 point mutation. Also called: HEPATIC DUCTULAR HYPOPLASIA, SYNDROMATIC; JAG1-Related Alagille Syndrome; Alagille Syndrome 1. Identifiers: Orphanet 261619, Orphanet 52, MedGen C1956125, MONDO:0016862, OMIM 118450.
JAG1-related disorder. Also called: JAG1-related disorders; JAG1-related condition.
Cardiovascular phenotype. Identifiers: MedGen CN230736.

Allele frequency attached by ClinVar (database versions not stated): gnomAD exomes 0.00001 and 0.00003; ExAC 0.00003; TOPMed 0.00003; gnomAD 0.00005; ESP Exome Variant Server 0.00023.
gnomAD v4.1: 59 of 1,614,094 alleles (0.0037%); highest among the groups gnomAD compares: East Asian, 0.0045%; no homozygotes.

Submissions (6):

Ambry Genetics
Classification: Likely benign for Cardiovascular phenotype. Last evaluated: 2026-03-24. Review status: criteria provided, single submitter. Criteria: Ambry Variant Classification Scheme 2023. Collection method: clinical testing. Allele origin: germline.

PreventionGenetics, part of Exact Sciences
Classification: Uncertain significance for JAG1-related condition. Last evaluated: 2026-01-21. Review status: criteria provided, single submitter. Criteria: ACMG Guidelines, 2015. Collection method: clinical testing. Allele origin: germline.
Comment: The JAG1 c.521C>T variant is predicted to result in the amino acid substitution p.Thr174Met. This variant has been reported as a modifier variant in one individual with moyamoya syndrome, who also carried a pathogenic variant in NF1 (see patient 3, Nakamura et al. 2024. PubMed ID: 39367156). This variant is reported in 0.0050% of alleles in individuals of East Asian descent in gnomAD. At this time, the clinical significance of this variant is uncertain due to the absence of conclusive functional and genetic evidence.

Labcorp Genetics (formerly Invitae), Labcorp
Classification: Likely benign for Alagille syndrome due to a JAG1 point mutation. Last evaluated: 2025-04-28. Review status: criteria provided, single submitter. Criteria: Invitae Variant Classification Sherloc (09022015). Collection method: clinical testing. Allele origin: germline.

Fulgent Genetics
Classification: Uncertain significance for Alagille syndrome due to a JAG1 point mutation; Tetralogy of Fallot; Deafness, congenital heart defects, and posterior embryotoxon; Charcot-Marie-Tooth disease, axonal, Type 2HH. Last evaluated: 2022-02-05. Review status: criteria provided, single submitter. Criteria: ACMG Guidelines, 2015. Collection method: clinical testing. Allele origin: unknown.

GeneDx
Classification: Uncertain significance. Last evaluated: 2018-05-21. Review status: criteria provided, single submitter. Criteria: GeneDx Variant Classification (06012015). Collection method: clinical testing. Allele origin: germline. Affected: yes.
Comment: The T174M variant has not been published as a pathogenic variant, nor has it been reported as a benign variant to our knowledge. The T174M variant is not observed at a significant frequency in large population cohorts (Lek et al., 2016). The T174M variant is a non-conservative amino acid substitution, which is likely to impact secondary protein structure as these residues differ in polarity, charge, size and/or other properties. In-silico analyses, including protein predictors and evolutionary conservation, support that this variant does not alter protein structure/function. In summary, based on the currently available information, it is unclear whether this variant is a pathogenic variant or a rare benign variant.

Eurofins Ntd Llc (ga)
Classification: Uncertain significance. Last evaluated: 2017-01-17. Review status: criteria provided, single submitter. Criteria: EGL Classification Definitions 2015. Collection method: clinical testing. Allele origin: germline. Observed: 1 variant allele, 1 heterozygote.

NM_000214.3(JAG1):c.521C>T (p.Thr174Met)

Gene: JAG1 (jagged canonical Notch ligand 1; minus strand). Cytogenetic location: 20p12.2.
Variant type: single nucleotide variant.
Coding change: c.521C>T on transcript NM_000214.3 (MANE Select); coding-DNA position 521, C replaced by T.
Protein change: p.Thr174Met; replaces threonine 174 with methionine.
Molecular consequence: missense variant.
Genome position (GRCh38, 1-based): chr20:10,658,641, G>A on the plus strand (C>T on the coding strand, the complement: JAG1 is on the minus strand). VCF-style: chr20-10658641-G-A. GRCh37 (hg19) VCF-style: chr20-10639289-G-A.
Other names: c.521C>T, p.Thr174Met (LRG_1191t1); short protein forms T174M.
Identifiers: ClinVar variation 499992 (VCV000499992.18), dbSNP rs144999773, ClinGen allele CA9765115.